The following is an entry in ClinVar:

NM_004655.4(AXIN2):c.1294G>A (p.Glu432Lys)

Gene: AXIN2 (axin 2; minus strand). Cytogenetic location: 17q24.1.
Variant type: single nucleotide variant.
Coding change: c.1294G>A on transcript NM_004655.4 (MANE Select); coding-DNA position 1294, G replaced by A.
Protein change: p.Glu432Lys; replaces glutamic acid 432 with lysine.
Molecular consequence: missense variant.
Genome position (GRCh38, 1-based): chr17:65,537,742, C>T on the plus strand (G>A on the coding strand, the complement: AXIN2 is on the minus strand). VCF-style: chr17-65537742-C-T. GRCh37 (hg19) VCF-style: chr17-63533860-C-T.
Other names: c.1294G>A, p.Glu432Lys (NM_001363813.1); short protein forms E432K.
Identifiers: ClinVar variation 940189 (VCV000940189.11), dbSNP rs751843834, ClinGen allele CA8718681.
Genomic context (GRCh38, chr17:65,537,742, plus strand): 5'-AGCCAGGGGTCTTGAGGACCCTGGACAGGTGATCGTCCAGTATCGTCTGCGGGTCTTCCT[C>T]GTAGCTGCCGGAGGGCAGTAGGGAGAGGGGGTGCTGCGTGGGCGCCCCCTCCCGCGAATT-3'
Protein context (NP_004646.3, residues 422-442): PLSLLPSGSY[Glu432Lys]EDPQTILDDH

ClinVar aggregate classification (germline): Uncertain significance. Review status: criteria provided, multiple submitters, no conflicts (2 of 4 stars). 2 submissions from 2 submitters: Uncertain significance (2). Last evaluated 2025-07-25.

Conditions:
Oligodontia-cancer predisposition syndrome. Also called: TOOTH AGENESIS-COLORECTAL CANCER SYNDROME. Identifiers: Orphanet 300576, MedGen C1837750, MONDO:0012075, OMIM 608615. Disease mechanism: loss of function.
Hereditary cancer-predisposing syndrome. Also called: Hereditary neoplastic syndrome; Neoplastic Syndromes, Hereditary; Tumor predisposition; Hereditary Cancer Syndrome. Identifiers: Orphanet 140162, MedGen C0027672, MeSH D009386, MONDO:0015356.

Allele frequency attached by ClinVar (database versions not stated): ExAC below 0.00001; gnomAD 0.00001; gnomAD exomes 0.00001; TOPMed 0.00001.
gnomAD v4.1: 12 of 1,569,088 alleles (0.00076%); highest among the groups gnomAD compares: African/African-American, 0.0027%; no homozygotes.

Submissions (2):

Ambry Genetics
Classification: Uncertain significance for Hereditary cancer-predisposing syndrome. Last evaluated: 2025-07-25. Review status: criteria provided, single submitter. Criteria: Ambry Variant Classification Scheme 2023. Collection method: clinical testing. Allele origin: germline.
Comment: The p.E432K variant (also known as c.1294G>A), located in coding exon 5 of the AXIN2 gene, results from a G to A substitution at nucleotide position 1294. The glutamic acid at codon 432 is replaced by lysine, an amino acid with similar properties. This amino acid position is well conserved in available vertebrate species. In addition, the in silico prediction for this alteration is inconclusive. Since supporting evidence is limited at this time, the clinical significance of this alteration remains unclear.

Labcorp Genetics (formerly Invitae), Labcorp
Classification: Uncertain significance for Oligodontia-cancer predisposition syndrome. Last evaluated: 2025-04-07. Review status: criteria provided, single submitter. Criteria: Invitae Variant Classification Sherloc (09022015). Collection method: clinical testing. Allele origin: germline.
Comment: This sequence change replaces glutamic acid, which is acidic and polar, with lysine, which is basic and polar, at codon 432 of the AXIN2 protein (p.Glu432Lys). This variant is not present in population databases (gnomAD no frequency). This variant has not been reported in the literature in individuals affected with AXIN2-related conditions. ClinVar contains an entry for this variant (Variation ID: 940189). Invitae Evidence Modeling of protein sequence and biophysical properties (such as structural, functional, and spatial information, amino acid conservation, physicochemical variation, residue mobility, and thermodynamic stability) indicates that this missense variant is expected to disrupt AXIN2 protein function with a positive predictive value of 80%. In summary, the available evidence is currently insufficient to determine the role of this variant in disease. Therefore, it has been classified as a Variant of Uncertain Significance.